The following is an entry in ClinVar:

ClinVar aggregate classification (germline): Likely benign (1 of 4 stars; one submission).

Allele frequency attached by ClinVar (database versions not stated): gnomAD exomes below 0.00001.
gnomAD v4.1: 1 of 1,613,360 alleles (0.000062%); highest among the groups gnomAD compares: Non-Finnish European, 0.000085%; no homozygotes.

Submission:

CeGaT Center for Human Genetics Tuebingen
Classification: Likely benign. Last evaluated: 2024-01-01. Review status: criteria provided, single submitter. Criteria: CeGaT Center For Human Genetics Tuebingen Variant Classification Criteria Version 2. Collection method: clinical testing. Allele origin: germline. Affected: yes. Observed: 1 variant allele.
Comment: SPTBN4: PM2:Supporting, BP4, BP7

NM_020971.3(SPTBN4):c.1173G>C (p.Arg391=)

Gene: SPTBN4 (spectrin beta, non-erythrocytic 4; plus strand). Cytogenetic location: 19q13.2.
Variant type: single nucleotide variant.
Coding change: c.1173G>C on transcript NM_020971.3 (MANE Select); coding-DNA position 1173, G replaced by C.
Protein change: p.Arg391=; no amino-acid change (arginine 391 retained).
Molecular consequence: synonymous variant.
Genome position (GRCh38, 1-based): chr19:40,502,477, G>C. VCF-style: chr19-40502477-G-C. GRCh37 (hg19) VCF-style: chr19-41008384-G-C.
Identifiers: ClinVar variation 3026987 (VCV003026987.20), dbSNP rs2514982333, ClinGen allele CA507681510.